The following is an entry in ClinVar:

NM_015910.7(WDPCP):c.826-4A>T

Gene: WDPCP (WD repeat containing planar cell polarity effector; minus strand). Cytogenetic location: 2p15.
Variant type: single nucleotide variant.
Coding change: c.826-4A>T on transcript NM_015910.7 (MANE Select); 4 bases into the intron before coding-DNA position 826, A replaced by T.
Molecular consequence: intron variant.
Genome position (GRCh38, 1-based): chr2:63,404,661, T>A on the plus strand (A>T on the coding strand, the complement: WDPCP is on the minus strand). VCF-style: chr2-63404661-T-A. GRCh37 (hg19) VCF-style: chr2-63631796-T-A.
Other names: c.754-4A>T (NM_001354044.2); c.349-4A>T (NM_001042692.3); c.826-4A>T (NM_001354045.2).
Identifiers: ClinVar variation 3351443 (VCV003351443.1).

ClinVar aggregate classification (germline): Likely benign (0 of 4 stars; one submission).

Conditions:
WDPCP-related disorder. Also called: WDPCP-related condition.

Submission:

PreventionGenetics, part of Exact Sciences
Classification: Likely benign for WDPCP-related condition. Last evaluated: 2020-07-09. Review status: no assertion criteria provided. Collection method: clinical testing. Allele origin: germline.
Comment: This variant is classified as likely benign based on ACMG/AMP sequence variant interpretation guidelines (Richards et al. 2015 PMID: 25741868, with internal and published modifications).